The following is an entry in ClinVar:

ClinVar aggregate classification (germline): Likely pathogenic (1 of 4 stars; one submission).

Submission:

Labcorp Genetics (formerly Invitae), Labcorp
Classification: Likely pathogenic. Last evaluated: 2021-04-23. Review status: criteria provided, single submitter. Criteria: Invitae Variant Classification Sherloc (09022015). Collection method: clinical testing. Allele origin: germline.
Comment: Algorithms developed to predict the effect of sequence changes on RNA splicing suggest that this variant may disrupt the consensus splice site, but this prediction has not been confirmed by published transcriptional studies. Disruption of this splice site has been observed in individual(s) with erythropoietic protoporphyria (PMID: 23364466). This variant is not present in population databases (ExAC no frequency). This sequence change affects an acceptor splice site in intron 7 of the FECH gene. It is expected to disrupt RNA splicing. Variants that disrupt the donor or acceptor splice site typically lead to a loss of protein function (PMID: 16199547), and loss-of-function variants in FECH are known to be pathogenic (PMID: 20105171, 23016163, 23364466). In summary, the currently available evidence indicates that the variant is pathogenic, but additional data are needed to prove that conclusively. Therefore, this variant has been classified as Likely Pathogenic.

Literature cited by the submitters: PubMed 23364466; PubMed 16199547; PubMed 20105171; PubMed 23016163.

NM_000140.5(FECH):c.805-1G>A

Gene: FECH (ferrochelatase; minus strand). Cytogenetic location: 18q21.31.
Variant type: single nucleotide variant.
Coding change: c.805-1G>A on transcript NM_000140.5 (MANE Select); the canonical splice acceptor site of the intron before coding-DNA position 805, G replaced by A.
Molecular consequence: splice acceptor variant.
Genome position (GRCh38, 1-based): chr18:57,554,953, C>T on the plus strand (G>A on the coding strand, the complement: FECH is on the minus strand). VCF-style: chr18-57554953-C-T. GRCh37 (hg19) VCF-style: chr18-55222185-C-T.
Other names: c.706-1G>A (NM_001371094.1); c.805-1G>A (NM_001374778.1); c.823-1G>A (NM_001012515.4); c.589-1G>A (NM_001371095.1).
Identifiers: ClinVar variation 1348595 (VCV001348595.8), dbSNP rs2122251187, ClinGen allele CA402541605.